The following is an entry in ClinVar:

NM_032193.4(RNASEH2C):c.*1621A>G

Genes: KAT5 (lysine acetyltransferase 5; plus strand), RNASEH2C (ribonuclease H2 subunit C; minus strand). Cytogenetic location: 11q13.1.
Variant type: single nucleotide variant.
Coding change: c.*1621A>G on transcript NM_032193.4 (MANE Select); 1621 bases downstream of the stop codon, A replaced by G.
Molecular consequence: 3 prime UTR variant. On other transcripts: intron variant (4).
Genome position (GRCh38, 1-based): chr11:65,718,162, T>C on the plus strand (A>G on the coding strand, the complement: RNASEH2C is on the minus strand). VCF-style: chr11-65718162-T-C. GRCh37 (hg19) VCF-style: chr11-65485633-T-C.
Other names: c.1265-428T>C (NM_182710.3); c.1109-428T>C (NM_001206833.2); c.1166-428T>C (NM_006388.4); c.1010-428T>C (NM_182709.3).
Identifiers: ClinVar variation 305332 (VCV000305332.5), dbSNP rs373799308, ClinGen allele CA10635271.

ClinVar aggregate classification (germline): Benign (1 of 4 stars; one submission).

Conditions:
Aicardi-Goutieres syndrome 3. Identifiers: Orphanet 51, MedGen C1835916, MONDO:0012471, OMIM 610329.

Allele frequency attached by ClinVar (database versions not stated): gnomAD 0.00007 and 0.00143; TOPMed 0.00026; gnomAD exomes 0.00269; 1000 Genomes Project 30x 0.01077; 1000 Genomes Project 0.01118.
gnomAD v4.1: 236 of 160,854 alleles (0.15%); highest among the groups gnomAD compares: South Asian, 4%; 4 homozygotes.

Submission:

Illumina Laboratory Services, Illumina
Classification: Benign for Aicardi-Goutieres syndrome 3. Last evaluated: 2018-01-13. Review status: criteria provided, single submitter. Criteria: ICSL Variant Classification Criteria 13 December 2019. Collection method: clinical testing. Allele origin: germline.
Comment: This variant was observed in the ICSL laboratory as part of a predisposition screen in an ostensibly healthy population. It had not been previously curated by ICSL or reported in the Human Gene Mutation Database (HGMD: prior to June 1st, 2018), and was therefore a candidate for classification through an automated scoring system. Utilizing variant allele frequency, disease prevalence and penetrance estimates, and inheritance mode, an automated score was calculated to assess if this variant is too frequent to cause the disease. Based on the score and internal cut-off values, a variant classified as benign is not then subjected to further curation. The score for this variant resulted in a classification of benign for this disease.